The following is an entry in ClinVar:

NM_014996.4(PLCH1):c.4950G>A (p.Thr1650=)

Gene: PLCH1 (phospholipase C eta 1; minus strand). Cytogenetic location: 3q25.31.
Variant type: single nucleotide variant.
Coding change: c.4950G>A on transcript NM_014996.4 (MANE Select); coding-DNA position 4950, G replaced by A.
Protein change: p.Thr1650=; no amino-acid change (threonine 1650 retained).
Molecular consequence: synonymous variant. On other transcripts: 3 prime UTR variant (3).
Genome position (GRCh38, 1-based): chr3:155,481,076, C>T on the plus strand (G>A on the coding strand, the complement: PLCH1 is on the minus strand). VCF-style: chr3-155481076-C-T. GRCh37 (hg19) VCF-style: chr3-155198865-C-T.
Other names: c.4974G>A, p.Thr1658= (NM_001130960.2); c.*1993G>A (NM_001130961.2); c.*1990G>A (NM_001349250.2, NM_001349252.2); c.4947G>A, p.Thr1649= (NM_001349251.2).
Identifiers: ClinVar variation 4681626 (VCV004681626.5).

ClinVar aggregate classification (germline): Likely benign (1 of 4 stars; one submission).

gnomAD v4.1: 10 of 1,614,034 alleles (0.00062%); highest among the groups gnomAD compares: East Asian, 0.0022%; no homozygotes.

Submission:

CeGaT Center for Human Genetics Tuebingen
Classification: Likely benign. Last evaluated: 2025-12-01. Review status: criteria provided, single submitter. Criteria: CeGaT Center For Human Genetics Tuebingen Variant Classification Criteria Version 2. Collection method: clinical testing. Allele origin: germline. Affected: yes. Observed: 1 variant allele.
Comment: PLCH1: BP4, BP7